The following is an entry in ClinVar:

ClinVar aggregate classification (germline): Uncertain significance (1 of 4 stars; one submission).

Conditions:
Long QT syndrome (LQTS). Identifiers: MedGen C0023976, MeSH D008133, MONDO:0002442. Disease mechanism: loss of function. Inheritance: Various modes of inheritance.

Allele frequency attached by ClinVar (database versions not stated): gnomAD exomes below 0.00001.
gnomAD v4.1: 1 of 1,613,550 alleles (0.000062%); highest among the groups gnomAD compares: Non-Finnish European, 0.000085%; no homozygotes.

Submission:

Labcorp Genetics (formerly Invitae), Labcorp
Classification: Uncertain significance for Long QT syndrome. Last evaluated: 2018-11-07. Review status: criteria provided, single submitter. Criteria: Invitae Variant Classification Sherloc (09022015). Collection method: clinical testing. Allele origin: germline.
Comment: In summary, the available evidence is currently insufficient to determine the role of this variant in disease. Therefore, it has been classified as a Variant of Uncertain Significance. Algorithms developed to predict the effect of missense changes on protein structure and function (SIFT, PolyPhen-2, Align-GVGD) all suggest that this variant is likely to be tolerated, but these predictions have not been confirmed by published functional studies and their clinical significance is uncertain. This variant has not been reported in the literature in individuals with AKAP9-related disease. This variant is not present in population databases (ExAC no frequency). This sequence change replaces glutamine with arginine at codon 3112 of the AKAP9 protein (p.Gln3112Arg). The glutamine residue is moderately conserved and there is a small physicochemical difference between glutamine and arginine.

NM_005751.5(AKAP9):c.9335A>G (p.Gln3112Arg)

Gene: AKAP9 (A-kinase anchoring protein 9; plus strand). Cytogenetic location: 7q21.2.
Variant type: single nucleotide variant.
Coding change: c.9335A>G on transcript NM_005751.5 (MANE Select); coding-DNA position 9335, A replaced by G.
Protein change: p.Gln3112Arg; replaces glutamine 3112 with arginine.
Molecular consequence: missense variant.
Genome position (GRCh38, 1-based): chr7:92,089,506, A>G. VCF-style: chr7-92089506-A-G. GRCh37 (hg19) VCF-style: chr7-91718820-A-G.
Other names: c.3980A>G, p.Gln1327Arg (NM_001379277.1); c.9311A>G, p.Gln3104Arg (NM_147185.3); short protein forms Q3112R, Q3104R, Q1327R.
Identifiers: ClinVar variation 577831 (VCV000577831.9), dbSNP rs999822458, ClinGen allele CA161890395.